The following is an entry in ClinVar:

ClinVar aggregate classification (germline): Pathogenic (1 of 4 stars; one submission).

Submission:

Labcorp Genetics (formerly Invitae), Labcorp
Classification: Pathogenic. Last evaluated: 2020-10-19. Review status: criteria provided, single submitter. Criteria: Invitae Variant Classification Sherloc (09022015). Collection method: clinical testing. Allele origin: germline.
Comment: For these reasons, this variant has been classified as Pathogenic. This variant has not been reported in the literature in individuals with NFKB1-related conditions. This variant is not present in population databases (ExAC no frequency). This sequence change creates a premature translational stop signal (p.Tyr794*) in the NFKB1 gene. It is expected to result in an absent or disrupted protein product. Loss-of-function variants in NFKB1 are known to be pathogenic (PMID: 26279205).

Literature cited by the submitters: PubMed 26279205.

NM_003998.4(NFKB1):c.2382T>G (p.Tyr794Ter)

Gene: NFKB1 (nuclear factor kappa B subunit 1; plus strand). Cytogenetic location: 4q24.
Variant type: single nucleotide variant.
Coding change: c.2382T>G on transcript NM_003998.4 (MANE Select); coding-DNA position 2382, T replaced by G.
Protein change: p.Tyr794Ter; replaces tyrosine 794 with a stop codon.
Molecular consequence: nonsense.
Genome position (GRCh38, 1-based): chr4:102,612,073, T>G. VCF-style: chr4-102612073-T-G. GRCh37 (hg19) VCF-style: chr4-103533230-T-G.
Other names: c.2379T>G, p.Tyr793Ter (NM_001165412.2, NM_001319226.2, NM_001382627.1); c.2382T>G, p.Tyr794Ter (NM_001382625.1, NM_001382626.1); c.2340T>G, p.Tyr780Ter (NM_001382628.1); short protein forms Y780*, Y793*, Y794*.
Identifiers: ClinVar variation 1070135 (VCV001070135.5), dbSNP rs2149230078, ClinGen allele CA357754455.